The following is an entry in ClinVar:

NM_144596.4(TTC8):c.1253A>G (p.Gln418Arg)

Gene: TTC8 (tetratricopeptide repeat domain 8; plus strand). Cytogenetic location: 14q31.3.
Variant type: single nucleotide variant.
Coding change: c.1253A>G on transcript NM_144596.4 (MANE Select); coding-DNA position 1253, A replaced by G.
Protein change: p.Gln418Arg; replaces glutamine 418 with arginine.
Molecular consequence: missense variant. On other transcripts: non-coding transcript variant (1).
Genome position (GRCh38, 1-based): chr14:88,872,358, A>G. VCF-style: chr14-88872358-A-G. GRCh37 (hg19) VCF-style: chr14-89338702-A-G.
Other names: p.Gln408Arg; c.1301A>G, p.Gln434Arg (NM_001288781.1); c.659A>G, p.Gln220Arg (NM_001288782.1); c.536A>G, p.Gln179Arg (NM_001288783.1); c.1223A>G, p.Gln408Arg (NM_001366535.2, NM_198309.3); c.1133A>G, p.Gln378Arg (NM_001366536.2, NM_198310.3); c.1253A>G (NM_144596.3); short protein forms Q408R, Q418R, Q378R, Q179R, Q220R, Q434R.
Identifiers: ClinVar variation 437079 (VCV000437079.46), dbSNP rs142938748, ClinGen allele CA7302697.

ClinVar aggregate classification (germline): Conflicting classifications of pathogenicity. Review status: criteria provided, conflicting classifications (1 of 4 stars). 10 submissions from 9 submitters: Uncertain significance (3); Benign (2); Likely benign (4). 1 of the submissions does not count toward it. Last evaluated 2026-08-01.

Conditions:
Bardet-Biedl syndrome (BBS). Identifiers: Orphanet 110, MedGen C0752166, MONDO:0015229.
Bardet-Biedl syndrome 8 (BBS8). Identifiers: Orphanet 110, MedGen C1859566, MONDO:0014436, OMIM 615985.
TTC8-related disorder. Also called: TTC8-related condition.
Retinitis pigmentosa (RP). Identifiers: Orphanet 791, MedGen C0035334, MeSH D012174, MONDO:0019200, OMIM 268000. Inheritance: Autosomal dominant, autosomal recessive and X linked inheritance.

Allele frequency attached by ClinVar (database versions not stated): 1000 Genomes Project 30x 0.00031; 1000 Genomes Project 0.00040; TOPMed 0.00130; ESP Exome Variant Server 0.00208; gnomAD 0.00216 and 0.00227; gnomAD exomes 0.00288; ExAC 0.00354.
gnomAD v4.1: 3,978 of 1,613,924 alleles (0.25%); highest among the groups gnomAD compares: Non-Finnish European, 0.27%; 9 homozygotes.

Submissions (10):

CeGaT Center for Human Genetics Tuebingen
Classification: Likely benign. Last evaluated: 2026-08-01. Review status: criteria provided, single submitter. Criteria: CeGaT Center For Human Genetics Tuebingen Variant Classification Criteria Version 2. Collection method: clinical testing. Allele origin: germline. Affected: yes. Observed: 4 variant alleles.
Comment: TTC8: BS2

Labcorp Genetics (formerly Invitae), Labcorp
Classification: Benign for Bardet-Biedl syndrome. Last evaluated: 2026-02-02. Review status: criteria provided, single submitter. Criteria: Invitae Variant Classification Sherloc (09022015). Collection method: clinical testing. Allele origin: germline.

Mayo Clinic Laboratories, Mayo Clinic
Classification: Likely benign. Last evaluated: 2025-07-16. Review status: criteria provided, single submitter. Criteria: ACMG Guidelines, 2015. Collection method: clinical testing. Allele origin: germline. Observed: 1 variant allele.
Comment: BS1, BP4

GeneDx
Classification: Uncertain significance. Last evaluated: 2024-09-03. Review status: criteria provided, single submitter. Criteria: GeneDx Variant Classification Process June 2021. Collection method: clinical testing. Allele origin: germline. Affected: yes.
Comment: In silico analysis supports that this missense variant has a deleterious effect on protein structure/function; Identified in the heterozygous state in a patient with retinitis pigmentosa who also harbored a homozygous variant in the CNGA1 gene (PMID: 24265693); Reported as p.(Q418R), published functional studies suggest this variant results in gastrulation defects in zebrafish embryos, however additional studies are needed to validate the functional effect of this variant in vivo (PMID: 27486776); This variant is associated with the following publications: (PMID: 28440294, 24265693, 27486776, 25533962)

Women's Health and Genetics/Laboratory Corporation of America, LabCorp
Classification: Benign. Last evaluated: 2022-05-11. Review status: criteria provided, single submitter. Criteria: LabCorp Variant Classification Summary - May 2015. Collection method: clinical testing. Allele origin: germline.

Illumina Laboratory Services, Illumina
Classification: Uncertain significance for Retinitis pigmentosa. Last evaluated: 2018-01-12. Review status: criteria provided, single submitter. Criteria: ICSL Variant Classification Criteria 13 December 2019. Collection method: clinical testing. Allele origin: germline.

Illumina Laboratory Services, Illumina
Classification: Likely benign for Bardet-Biedl syndrome 8. Last evaluated: 2018-01-12. Review status: criteria provided, single submitter. Criteria: ICSL Variant Classification Criteria 13 December 2019. Collection method: clinical testing. Allele origin: germline.
Comment: This variant was observed in the ICSL laboratory as part of a predisposition screen in an ostensibly healthy population. It had not been previously curated by ICSL or reported in the Human Gene Mutation Database (HGMD: prior to June 1st, 2018), and was therefore a candidate for classification through an automated scoring system. Utilizing variant allele frequency, disease prevalence and penetrance estimates, and inheritance mode, an automated score was calculated to assess if this variant is too frequent to cause the disease. Based on the score and internal cut-off values, a variant classified as likely benign is not then subjected to further curation. The score for this variant resulted in a classification of likely benign for this disease.

Center for Pediatric Genomic Medicine, Children's Mercy Hospital and Clinics
Classification: Uncertain significance. Last evaluated: 2017-09-11. Review status: criteria provided, single submitter. Criteria: ACMG Guidelines, 2015. Collection method: clinical testing. Allele origin: germline.

Genetic Services Laboratory, University of Chicago
Classification: Likely benign. Last evaluated: 2016-03-28. Review status: criteria provided, single submitter. Criteria: ACMG Guidelines, 2015. Collection method: clinical testing. Allele origin: germline. Affected: no.

PreventionGenetics, part of Exact Sciences
Classification: Likely benign for TTC8-related condition. Last evaluated: 2019-05-07. Review status: no assertion criteria provided. Collection method: clinical testing. Allele origin: germline. Not counted in ClinVar's aggregate classification.
Comment: This variant is classified as likely benign based on ACMG/AMP sequence variant interpretation guidelines (Richards et al. 2015 PMID: 25741868, with internal and published modifications).

Literature cited by the submitters: PubMed 24265693 (cited by Mayo Clinic Laboratories, Mayo Clinic); PubMed 25533962 (cited by Mayo Clinic Laboratories, Mayo Clinic); PubMed 27486776 (cited by Mayo Clinic Laboratories, Mayo Clinic).